The following is an entry in ClinVar:

NM_007194.4(CHEK2):c.909-1G>A

Gene: CHEK2 (checkpoint kinase 2; minus strand). Cytogenetic location: 22q12.1.
Variant type: single nucleotide variant.
Coding change: c.909-1G>A on transcript NM_007194.4 (MANE Select); the canonical splice acceptor site of the intron before coding-DNA position 909, G replaced by A.
Molecular consequence: splice acceptor variant.
Genome position (GRCh38, 1-based): chr22:28,699,938, C>T on the plus strand (G>A on the coding strand, the complement: CHEK2 is on the minus strand). VCF-style: chr22-28699938-C-T. GRCh37 (hg19) VCF-style: chr22-29095926-C-T.
Other names: c.1002-1G>A (NM_001438293.1, NM_001438295.1); c.1038-1G>A (NM_001438294.1, NM_001005735.3); c.246-1G>A (NM_001437942.1, NM_001257387.3); c.708-1G>A (NM_001349956.3); c.909-1G>A (NM_145862.3).
Identifiers: ClinVar variation 479573 (VCV000479573.20), dbSNP rs886039721, ClinGen allele CA411100223.
Genomic context (GRCh38, chr22:28,699,938, plus strand): 5'-GTAGCTTCTTTCAGGCGTTTATTCCCCACCACTTTGTCAAACAGCTCTCCCCCTTCCATC[C>T]TGAAACACAAAGGCAAGGCAAGGGGTTCATTCCTGGGGGAAAACGCACTTGGACAGAAGA-3'

ClinVar aggregate classification (germline): Pathogenic/Likely pathogenic. Review status: criteria provided, multiple submitters, no conflicts (2 of 4 stars). 6 submissions from 6 submitters: Pathogenic (1); Likely pathogenic (5). Last evaluated 2026-07-01.

Conditions:
Familial cancer of breast. Also called: BREAST CANCER, FAMILIAL; hereditary breast carcinoma; Hereditary breast cancer. Identifiers: Orphanet 227535, MedGen C0346153, MONDO:0016419, OMIM 114480. Disease mechanism: loss of function.
CHEK2-related cancer predisposition (TPDS4). Also called: CHEK2-related cancer susceptibility; TUMOR PREDISPOSITION SYNDROME 4; CANCER PREDISPOSITION SYNDROME, CHEK2-RELATED. Identifiers: Orphanet 524, MedGen C5882668, MONDO:0700271, OMIM 609265.
Bone osteosarcoma. Also called: Osteosarcoma, somatic. Identifiers: Orphanet 668, MedGen C0585442, MONDO:0002629, OMIM 259500.
Familial prostate cancer. Also called: Hereditary Prostate Cancer. Identifiers: MedGen C2931456, MONDO:0700275, OMIM 176807.
Hereditary cancer-predisposing syndrome. Also called: Neoplastic Syndromes, Hereditary; Tumor predisposition; Hereditary Cancer Syndrome; Hereditary neoplastic syndrome. Identifiers: Orphanet 140162, MedGen C0027672, MeSH D009386, MONDO:0015356.

Allele frequency attached by ClinVar (database versions not stated): gnomAD exomes below 0.00001.
gnomAD v4.1: 1 of 1,611,910 alleles (0.000062%); highest among the groups gnomAD compares: Non-Finnish European, 0.000085%; no homozygotes.

Submissions (6):

Ambry Genetics
Classification: Likely pathogenic for Hereditary cancer-predisposing syndrome. Last evaluated: 2026-07-01. Review status: criteria provided, single submitter. Criteria: Ambry Variant Classification Scheme 2023. Collection method: clinical testing. Allele origin: germline.
Comment: The c.909-1G>A intronic variant results from a G to A substitution one nucleotide upstream from coding exon 8 of the CHEK2 gene. This nucleotide position is highly conserved in available vertebrate species. In silico splice site analysis predicts that this alteration will weaken the native splice acceptor site and will result in the creation or strengthening of a novel splice acceptor site; however direct evidence is insufficient (Ambry internal data). This variant is considered to be rare based on population cohorts in the Genome Aggregation Database (gnomAD). Alterations that disrupt the canonical splice site are expected to cause aberrant splicing, resulting in an abnormal protein or a transcript that is subject to nonsense-mediated mRNA decay. As such, this alteration is classified as likely pathogenic.

Labcorp Genetics (formerly Invitae), Labcorp
Classification: Likely pathogenic for Familial cancer of breast. Last evaluated: 2025-11-11. Review status: criteria provided, single submitter. Criteria: Invitae Variant Classification Sherloc (09022015). Collection method: clinical testing. Allele origin: germline.
Comment: This sequence change affects an acceptor splice site in intron 8 of the CHEK2 gene. It is expected to disrupt RNA splicing. Variants that disrupt the donor or acceptor splice site typically lead to a loss of protein function (PMID: 16199547), and loss-of-function variants in CHEK2 are known to be pathogenic (PMID: 21876083, 24713400). This variant is not present in population databases (gnomAD no frequency). This variant has not been reported in the literature in individuals affected with CHEK2-related conditions. ClinVar contains an entry for this variant (Variation ID: 479573). RNA analysis provides insufficient evidence to determine the effect of this variant on CHEK2 splicing (internal data). In summary, the currently available evidence indicates that the variant is pathogenic, but additional data are needed to prove that conclusively. Therefore, this variant has been classified as Likely Pathogenic.

Color Diagnostics, LLC DBA Color Health
Classification: Likely pathogenic for Hereditary cancer-predisposing syndrome. Last evaluated: 2025-07-22. Review status: criteria provided, single submitter. Criteria: ACMG Guidelines, 2015. Collection method: clinical testing. Allele origin: germline.
Comment: This variant results in a G to A substitution at -1 position in intron 8 in the CHEK2 gene. Splice prediction tools indicate that this variant may have significant impact on RNA splicing. Although functional studies have not been reported for this variant, it is expected to result in the loss of CHEK2 gene function. This variant has not been reported in individuals affected with CHEK2-related disorders in the literature. This variant has not been identified in the general population by the Genome Aggregation Database (gnomAD). Loss of CHEK2 gene function is a known mechanism of disease. Based on the available evidence, this variant is classified as Likely Pathogenic.

Myriad Genetics, Inc.
Classification: Likely pathogenic for Familial cancer of breast. Last evaluated: 2023-06-27. Review status: criteria provided, single submitter. Criteria: Myriad Autosomal Dominant, Autosomal Recessive and X-Linked Classification Criteria (2023). Collection method: clinical testing. Allele origin: unknown.
Comment: This variant is considered likely pathogenic. This variant occurs within a consensus splice junction and is predicted to result in abnormal mRNA splicing of either an out-of-frame exon or an in-frame exon necessary for protein stability and/or normal function.

Baylor Genetics
Classification: Likely pathogenic for Familial cancer of breast. Last evaluated: 2023-01-31. Review status: criteria provided, single submitter. Criteria: ACMG Guidelines, 2015. Collection method: clinical testing. Allele origin: unknown.

Juno Genomics, Hangzhou Juno Genomics, Inc
Classification: Pathogenic for CHEK2-related cancer predisposition; Bone osteosarcoma; Familial prostate cancer. Review status: criteria provided, single submitter. Criteria: ACMG Guidelines, 2015. Collection method: clinical testing. Allele origin: germline.
Comment: Absent from controls (or at extremely low frequency if recessive) in Genome Aggregation Database.;Null variant in a gene where loss of function (LOF) is a known mechanism of disease.;The prevalence of the variant in affected individuals is significantly increased compared to the prevalence in controls.

Literature cited by the submitters: PubMed 16199547 (cited by Labcorp Genetics (formerly Invitae), Labcorp); PubMed 21876083 (cited by Labcorp Genetics (formerly Invitae), Labcorp); PubMed 24713400 (cited by Labcorp Genetics (formerly Invitae), Labcorp).